The following is an entry in ClinVar:

ClinVar aggregate classification (germline): Pathogenic/Likely pathogenic. Review status: criteria provided, multiple submitters, no conflicts (2 of 4 stars). 4 submissions from 4 submitters: Pathogenic (3); Likely pathogenic (1). Last evaluated 2025-09-23.

Conditions:
Diffuse cerebral and cerebellar atrophy - intractable seizures - progressive microcephaly syndrome. Also called: Microcephaly, progressive, with seizures and cerebral and cerebellar atrophy. Identifiers: Orphanet 404437, MedGen C4014239, MONDO:0014335, OMIM 615760.

Submissions (4):

Labcorp Genetics (formerly Invitae), Labcorp
Classification: Pathogenic for Diffuse cerebral and cerebellar atrophy - intractable seizures - progressive microcephaly syndrome. Last evaluated: 2025-09-23. Review status: criteria provided, single submitter. Criteria: Invitae Variant Classification Sherloc (09022015). Collection method: clinical testing. Allele origin: germline.
Comment: This sequence change creates a premature translational stop signal (p.Leu455Alafs*48) in the QARS gene. It is expected to result in an absent or disrupted protein product. Loss-of-function variants in QARS are known to be pathogenic (PMID: 24656866, 25471517). This variant is present in population databases (rs781054435, gnomAD 0.003%). This variant has not been reported in the literature in individuals affected with QARS-related conditions. ClinVar contains an entry for this variant (Variation ID: 1214488). For these reasons, this variant has been classified as Pathogenic.

Women's Health and Genetics/Laboratory Corporation of America, LabCorp
Classification: Pathogenic for Diffuse cerebral and cerebellar atrophy - intractable seizures - progressive microcephaly syndrome. Last evaluated: 2025-09-04. Review status: criteria provided, single submitter. Criteria: LabCorp Variant Classification Summary - May 2015. Collection method: clinical testing. Allele origin: germline.
Comment: Variant summary: QARS1 c.1362_1365delACTC (p.Leu455AlafsX48) results in a premature termination codon, predicted to cause a truncation of the encoded protein or absence of the protein due to nonsense mediated decay, which are commonly known mechanisms for disease. The variant was absent in 1613926 control chromosomes. To our knowledge, no occurrence of c.1362_1365delACTC in individuals affected with QARS1-related conditions and no experimental evidence demonstrating its impact on protein function have been reported. ClinVar contains an entry for this variant (Variation ID: 1214488). Based on the evidence outlined above, the variant was classified as pathogenic.

GeneDx
Classification: Pathogenic. Last evaluated: 2019-11-27. Review status: criteria provided, single submitter. Criteria: GeneDx Variant Classification Process June 2021. Collection method: clinical testing. Allele origin: germline. Affected: yes.
Comment: Frameshift variant predicted to result in protein truncation or nonsense mediated decay in a gene for which loss-of-function is a known mechanism of disease; Not observed at a significant frequency in large population cohorts (Lek et al., 2016); Has not been previously published as pathogenic or benign to our knowledge

Juno Genomics, Hangzhou Juno Genomics, Inc
Classification: Likely pathogenic for Diffuse cerebral and cerebellar atrophy - intractable seizures - progressive microcephaly syndrome. Review status: criteria provided, single submitter. Criteria: ACMG Guidelines, 2015. Collection method: clinical testing. Allele origin: germline.
Comment: Null variant in a gene where loss of function (LOF) is a known mechanism of disease.;Absent from controls (or at extremely low frequency if recessive) in Genome Aggregation Database.

Literature cited by the submitters: PubMed 24656866 (cited by Labcorp Genetics (formerly Invitae), Labcorp); PubMed 25471517 (cited by Labcorp Genetics (formerly Invitae), Labcorp).

NM_005051.3(QARS1):c.1362_1365del (p.Leu455fs)

Gene: QARS1 (glutaminyl-tRNA synthetase 1; minus strand). Cytogenetic location: 3p21.31.
Variant type: Microsatellite.
Coding change: c.1362_1365del on transcript NM_005051.3 (MANE Select); coding-DNA positions 1362 to 1365, 4 bases deleted (ACTC; older notation c.1362_1365delACTC).
Protein change: p.Leu455fs; shifts the reading frame from leucine 455.
Molecular consequence: frameshift variant. On other transcripts: non-coding transcript variant (1).
Genome position (GRCh38, 1-based): chr3:49,099,784-49,099,787, GAGT deleted on the plus strand (ACTC on the coding strand, the reverse complement: QARS1 is on the minus strand); deleting any 4 consecutive bases within chr3:49,099,784-49,099,797 gives the same sequence; the c. name uses the placement nearest the transcript's 3' end. VCF-style (leftmost placement, unchanged base first): chr3-49099783-AGAGT-A. GRCh37 (hg19) VCF-style: chr3-49137216-AGAGT-A.
Other names: c.1329_1332del, p.Leu444fs (NM_001272073.2); c.1362_1365delACTC (NM_005051.3); short protein forms L444fs, L455fs.
Identifiers: ClinVar variation 1214488 (VCV001214488.12), dbSNP rs747938605, ClinGen allele CA2391777.